The following is an entry in ClinVar:

ClinVar aggregate classification (germline): Uncertain significance (1 of 4 stars; one submission).

gnomAD v4.1: 17 of 1,613,970 alleles (0.0011%); highest among the groups gnomAD compares: African/African-American, 0.0067%; no homozygotes.

Submission:

GeneDx
Classification: Uncertain significance. Last evaluated: 2024-02-13. Review status: criteria provided, single submitter. Criteria: GeneDx Variant Classification Process June 2021. Collection method: clinical testing. Allele origin: germline. Affected: yes.
Comment: In silico analysis supports that this missense variant has a deleterious effect on protein structure/function; Has not been previously published as pathogenic or benign to our knowledge

NM_001372106.1(DNAH10):c.1298G>A (p.Arg433Gln)

Gene: DNAH10 (dynein axonemal heavy chain 10; plus strand). Cytogenetic location: 12q24.31.
Variant type: single nucleotide variant.
Coding change: c.1298G>A on transcript NM_001372106.1 (MANE Select); coding-DNA position 1298, G replaced by A.
Protein change: p.Arg433Gln; replaces arginine 433 with glutamine.
Molecular consequence: missense variant.
Genome position (GRCh38, 1-based): chr12:123,785,813, G>A. VCF-style: chr12-123785813-G-A. GRCh37 (hg19) VCF-style: chr12-124270360-G-A.
Other names: c.1115G>A, p.Arg372Gln (NM_207437.3); short protein forms R372Q, R433Q.
Identifiers: ClinVar variation 3369298 (VCV003369298.1).
Genomic context (GRCh38, chr12:123,785,813, plus strand): 5'-CGCACGGGTCTGGCTTCCACGTGGTCCTGGACACCATCCCCGCCATGATGAGTGCCCTGC[G>A]GATGGTGTGGATCATCTCCCGACACTACAACAAAGACGAGAGGATGATTCCGCTCATGGA-3'
Protein context (NP_001359035.1, residues 423-443): DTIPAMMSAL[Arg433Gln]MVWIISRHYN